The following is an entry in ClinVar:

NM_002661.5(PLCG2):c.2680G>A (p.Glu894Lys)

Gene: PLCG2 (phospholipase C gamma 2; plus strand). Cytogenetic location: 16q23.3.
Variant type: single nucleotide variant.
Coding change: c.2680G>A on transcript NM_002661.5 (MANE Select); coding-DNA position 2680, G replaced by A.
Protein change: p.Glu894Lys; replaces glutamic acid 894 with lysine.
Molecular consequence: missense variant.
Genome position (GRCh38, 1-based): chr16:81,931,595, G>A. VCF-style: chr16-81931595-G-A. GRCh37 (hg19) VCF-style: chr16-81965200-G-A.
Other names: c.2680G>A, p.Glu894Lys (NM_001425749.1, NM_001425750.1, NM_001425751.1); short protein forms E894K.
Identifiers: ClinVar variation 2745179 (VCV002745179.3), dbSNP rs2507737523, ClinGen allele CA396903674.
Genomic context (GRCh38, chr16:81,931,595, plus strand): 5'-TTCATCCTGGAGCCCAAGCAGCAGGGCGATCCTCCGGTGGAGTTTGCCACAGACAGGGTG[G>A]AGGAGCTCTTTGAGTGGTTTCAGAGCATCCGAGAGATCACCTGGAAGATTGACACCAAGG-3'
Protein context (NP_002652.2, residues 884-904): PPVEFATDRV[Glu894Lys]ELFEWFQSIR

ClinVar aggregate classification (germline): Uncertain significance (1 of 4 stars; one submission).

Conditions:
Familial cold autoinflammatory syndrome 3 (FCAS3). Also called: ANTIBODY DEFICIENCY AND IMMUNE DYSREGULATION, PLCG2-ASSOCIATED; FAMILIAL ATYPICAL COLD URTICARIA. Identifiers: Orphanet 300359, MedGen C3280914, MONDO:0013766, OMIM 614468.

Submission:

Labcorp Genetics (formerly Invitae), Labcorp
Classification: Uncertain significance for Familial cold autoinflammatory syndrome 3. Last evaluated: 2024-04-22. Review status: criteria provided, single submitter. Criteria: Invitae Variant Classification Sherloc (09022015). Collection method: clinical testing. Allele origin: germline.
Comment: This sequence change replaces glutamic acid, which is acidic and polar, with lysine, which is basic and polar, at codon 894 of the PLCG2 protein (p.Glu894Lys). This variant is not present in population databases (gnomAD no frequency). This variant has not been reported in the literature in individuals affected with PLCG2-related conditions. An algorithm developed to predict the effect of missense changes on protein structure and function (PolyPhen-2) suggests that this variant is likely to be disruptive. In summary, the available evidence is currently insufficient to determine the role of this variant in disease. Therefore, it has been classified as a Variant of Uncertain Significance.